The following is an entry in ClinVar:

NM_032436.4(CHAMP1):c.824_828del (p.Thr274_Ser275insTer)

Gene: CHAMP1 (chromosome alignment maintaining phosphoprotein 1; plus strand). Cytogenetic location: 13q34.
Variant type: Deletion.
Coding change: c.824_828del on transcript NM_032436.4 (MANE Select); coding-DNA positions 824 to 828, 5 bases deleted (CCCCT; older notation c.824_828delCCCCT).
Protein change: p.Thr274_Ser275insTer.
Molecular consequence: nonsense.
Genome position (GRCh38, 1-based): chr13:114,324,666-114,324,670, CCCCT deleted; deleting any 5 consecutive bases within chr13:114,324,663-114,324,670 gives the same sequence; the c. name uses the placement nearest the transcript's 3' end. VCF-style (leftmost placement, unchanged base first): chr13-114324662-ACCTCC-A. GRCh37 (hg19) VCF-style: chr13-115090137-ACCTCC-A.
Other names: c.824_828del, p.Thr274_Ser275insTer (NM_001164144.3, NM_001164145.3).
Identifiers: ClinVar variation 1687482 (VCV001687482.1), dbSNP rs2139419505, ClinGen allele CA2573149509.
Genomic context (GRCh38, chr13:114,324,662, plus strand): 5'-CCAGAACCTTGGGGACCATCCCCAGCTGCATCTCCAGAATCTCGGAAGTCAGCCCGGACT[ACCTCC>A]CCTGAGCCAAGGAAGCCATCCCCTTCAGAGTCTCCTGAACCTTGGAAGCCGTTCCCTGCT-3'

ClinVar aggregate classification (germline): Likely pathogenic (1 of 4 stars; one submission).

Conditions:
Neurodevelopmental disorder with hypotonia, impaired language, and dysmorphic features. Also called: Intellectual disability, autosomal dominant 40. Identifiers: Orphanet 692193, MedGen C5676894, MONDO:0014699, OMIM 616579.

Submission:

3billion
Classification: Likely pathogenic for Neurodevelopmental disorder with hypotonia, impaired language, and dysmorphic features. Last evaluated: 2022-05-22. Review status: criteria provided, single submitter. Criteria: ACMG Guidelines, 2015. Collection method: clinical testing. Allele origin: germline. Affected: yes. Observed: 1 heterozygote.
Comment: The variant is not observed in the gnomAD v2.1.1 dataset. Frameshift: predicted to result in a loss or disruption of normal protein function through protein truncation. Multiple pathogenic variants are reported in the predicted truncated region. Therefore, this variant is classified as likely pathogenic according to the recommendation of ACMG/AMP guideline.